The following is an entry in ClinVar:

ClinVar aggregate classification (germline): Likely benign. Review status: criteria provided, multiple submitters, no conflicts (2 of 4 stars). 4 submissions from 4 submitters: Likely benign (2). 2 of the submissions do not count toward it. Last evaluated 2026-01-24.

Allele frequency attached by ClinVar (database versions not stated): ESP Exome Variant Server 0.00015; gnomAD 0.00015; 1000 Genomes Project 0.00020; TOPMed 0.00020; ExAC 0.00023; gnomAD exomes 0.00025; 1000 Genomes Project 30x 0.00031.
gnomAD v4.1: 472 of 1,566,074 alleles (0.03%); highest among the groups gnomAD compares: Non-Finnish European, 0.037%; no homozygotes.

Submissions (4):

Labcorp Genetics (formerly Invitae), Labcorp
Classification: Likely benign. Last evaluated: 2026-01-24. Review status: criteria provided, single submitter. Criteria: Invitae Variant Classification Sherloc (09022015). Collection method: clinical testing. Allele origin: germline.

CeGaT Center for Human Genetics Tuebingen
Classification: Likely benign. Last evaluated: 2024-01-01. Review status: criteria provided, single submitter. Criteria: CeGaT Center For Human Genetics Tuebingen Variant Classification Criteria Version 2. Collection method: clinical testing. Allele origin: germline. Affected: yes. Observed: 2 variant alleles.
Comment: CAD: BP4, BP7

Diagnostic Laboratory, Department of Genetics, University Medical Center Groningen
Classification: Likely benign. Review status: no assertion criteria provided. Collection method: clinical testing. Allele origin: germline. Affected: yes. Study: VKGL Data-share Consensus. Not counted in ClinVar's aggregate classification.

Genome Diagnostics Laboratory, University Medical Center Utrecht
Classification: Likely benign. Review status: no assertion criteria provided. Collection method: clinical testing. Allele origin: germline. Affected: yes. Study: VKGL Data-share Consensus. Not counted in ClinVar's aggregate classification.

NM_004341.5(CAD):c.246C>T (p.His82=)

Gene: CAD (carbamoyl-phosphate synthetase 2, aspartate transcarbamylase, and dihydroorotase; plus strand). Cytogenetic location: 2p23.3.
Variant type: single nucleotide variant.
Coding change: c.246C>T on transcript NM_004341.5 (MANE Select); coding-DNA position 246, C replaced by T.
Protein change: p.His82=; no amino-acid change (histidine 82 retained).
Molecular consequence: synonymous variant.
Genome position (GRCh38, 1-based): chr2:27,221,241, C>T. VCF-style: chr2-27221241-C-T. GRCh37 (hg19) VCF-style: chr2-27444109-C-T.
Other names: c.246C>T, p.His82= (NM_001306079.2).
Identifiers: ClinVar variation 737040 (VCV000737040.39), dbSNP rs146668657, ClinGen allele CA1572364.